The following is an entry in ClinVar:

ClinVar aggregate classification (germline): Likely pathogenic (1 of 4 stars; one submission).

Submission:

GeneDx
Classification: Likely pathogenic. Last evaluated: 2017-11-02. Review status: criteria provided, single submitter. Criteria: GeneDx Variant Classification (06012015). Collection method: clinical testing. Allele origin: germline. Affected: yes.
Comment: The P2724S variant in the FBN1 gene has not been published as a pathogenic variant, nor has it been reported as a benign polymorphism to our knowledge. The P2724S variant was not observed in approximately 6500 individuals of European and African American ancestry in the NHLBI Exome Sequencing Project, indicating it is not a common benign variant in these populations. The P2724S variant is a non-conservative amino acid substitution, which is likely to impact secondary protein structure as these residues differ in polarity, charge, size and/or other properties. This substitution occurs at a position that is conserved in mammals. In silico analysis is inconsistent in its predictions as to whether or not the variant is damaging to the protein structure/function. Missense variants in nearby residues (C2718S, R2726W) have been reported in the Human Gene Mutation Database in association with ectopia lentis and Marfan syndrome (Stenson et al., 2014), supporting the functional importance of this region of the protein. The P2724S variant is a strong candidate for a disease-causing variant, however the possibility it may be a rare benign variant cannot be excluded.

NM_000138.5(FBN1):c.8170C>T (p.Pro2724Ser)

Gene: FBN1 (fibrillin 1; minus strand). Cytogenetic location: 15q21.1.
Variant type: single nucleotide variant.
Coding change: c.8170C>T on transcript NM_000138.5 (MANE Select); coding-DNA position 8170, C replaced by T.
Protein change: p.Pro2724Ser; replaces proline 2724 with serine.
Molecular consequence: missense variant.
Genome position (GRCh38, 1-based): chr15:48,412,625, G>A on the plus strand (C>T on the coding strand, the complement: FBN1 is on the minus strand). VCF-style: chr15-48412625-G-A. GRCh37 (hg19) VCF-style: chr15-48704822-G-A.
Other names: short protein forms P2724S.
Identifiers: ClinVar variation 427024 (VCV000427024.2), dbSNP rs1085307904, ClinGen allele CA392320926.
Genomic context (GRCh38, chr15:48,412,625, plus strand): 5'-CCACCTCGATATTGGAGGCATCAGTTTCGTTTGTGCTTCTCCGTTTCCTGCCCCGTTTGG[G>A]GTAGCCATTGATCTTACACTCGTAACAAGCCTCTGGGGAGAGTGAATTGTCATCCATTTC-3'
Protein context (NP_000129.3, residues 2714-2734): ACYECKINGY[Pro2724Ser]KRGRKRRSTN